The following is an entry in ClinVar:

NM_000298.6(PKLR):c.*13T>C

Gene: PKLR (pyruvate kinase L/R; minus strand). Cytogenetic location: 1q22.
Variant type: single nucleotide variant.
Coding change: c.*13T>C on transcript NM_000298.6 (MANE Select); 13 bases downstream of the stop codon, T replaced by C.
Molecular consequence: 3 prime UTR variant.
Genome position (GRCh38, 1-based): chr1:155,290,559, A>G on the plus strand (T>C on the coding strand, the complement: PKLR is on the minus strand). VCF-style: chr1-155290559-A-G. GRCh37 (hg19) VCF-style: chr1-155260350-A-G.
Other names: c.*13T>C (LRG_1136t1, NM_181871.4).
Identifiers: ClinVar variation 255797 (VCV000255797.26), dbSNP rs1052177, ClinGen allele CA1143911.
Genomic context (GRCh38, chr1:155,290,559, plus strand): 5'-GGCTGGAGAACGTAGACTGGGGAGGAAGGGATGGGGTACAAGGGTAGGCTGGGCCAGAGG[A>G]GGGAGGGGCGTCTCAGGATATGCTTAGCACCCGCATGATGTTGGTGTAGCCGGAGCCAGG-3'

ClinVar aggregate classification (germline): Benign. Review status: criteria provided, multiple submitters, no conflicts (2 of 4 stars). 9 submissions from 9 submitters: Benign (7). 2 of the submissions do not count toward it. Last evaluated 2024-11-26.

Conditions:
Pyruvate kinase deficiency of red cells (CNSHA2). Also called: Pyruvate kinase deficiency, Amish type; PK DEFICIENCY; PYRUVATE KINASE DEFICIENCY OF ERYTHROCYTE. Identifiers: Orphanet 766, MedGen C0340968, MONDO:0009950, OMIM 266200.

Allele frequency attached by ClinVar (database versions not stated): ESP Exome Variant Server 0.31931; TOPMed 0.36429; 1000 Genomes Project 30x 0.43629; 1000 Genomes Project 0.43870.
gnomAD v4.1: 441,004 of 1,523,606 alleles (29%); highest among the groups gnomAD compares: East Asian, 72%; 71,590 homozygotes.

Submissions (9):

Blueprint Genetics
Classification: Benign. Last evaluated: 2024-11-26. Review status: criteria provided, single submitter. Criteria: ACMG Guidelines, 2015. Collection method: clinical testing. Allele origin: germline.

ARUP Laboratories, Molecular Genetics and Genomics, ARUP Laboratories
Classification: Benign. Last evaluated: 2022-08-19. Review status: criteria provided, single submitter. Criteria: ARUP Molecular Germline Variant Investigation Process 2021. Collection method: clinical testing. Allele origin: germline.

GeneDx
Classification: Benign. Last evaluated: 2018-11-12. Review status: criteria provided, single submitter. Criteria: GeneDx Variant Classification Process June 2021. Collection method: clinical testing. Allele origin: germline. Affected: yes.

Illumina Laboratory Services, Illumina
Classification: Benign for Pyruvate kinase deficiency of red cells. Last evaluated: 2018-01-12. Review status: criteria provided, single submitter. Criteria: ICSL Variant Classification Criteria 13 December 2019. Collection method: clinical testing. Allele origin: germline.
Comment: This variant was observed in the ICSL laboratory as part of a predisposition screen in an ostensibly healthy population. It had not been previously curated by ICSL or reported in the Human Gene Mutation Database (HGMD: prior to June 1st, 2018), and was therefore a candidate for classification through an automated scoring system. Utilizing variant allele frequency, disease prevalence and penetrance estimates, and inheritance mode, an automated score was calculated to assess if this variant is too frequent to cause the disease. Based on the score and internal cut-off values, a variant classified as benign is not then subjected to further curation. The score for this variant resulted in a classification of benign for this disease.

Mayo Clinic Laboratories, Mayo Clinic
Classification: Benign. Last evaluated: 2016-04-27. Review status: criteria provided, single submitter. Criteria: ACMG Guidelines, 2015. Collection method: clinical testing. Allele origin: germline. Observed: 1,274 variant alleles.

Breakthrough Genomics
Classification: Benign. Review status: criteria provided, single submitter. Criteria: ACMG Guidelines, 2015. Collection method: not provided. Allele origin: germline. Inheritance: Autosomal recessive inheritance. Affected: yes.

PreventionGenetics, part of Exact Sciences
Classification: Benign. Review status: criteria provided, single submitter. Criteria: ACMG Guidelines, 2015. Collection method: clinical testing. Allele origin: germline.

Diagnostic Laboratory, Department of Genetics, University Medical Center Groningen
Classification: Benign. Review status: no assertion criteria provided. Collection method: clinical testing. Allele origin: germline. Affected: yes. Study: VKGL Data-share Consensus. Not counted in ClinVar's aggregate classification.

Genome Diagnostics Laboratory, University Medical Center Utrecht
Classification: Benign. Review status: no assertion criteria provided. Collection method: clinical testing. Allele origin: germline. Affected: yes. Study: VKGL Data-share Consensus. Not counted in ClinVar's aggregate classification.